The following is an entry in ClinVar:

ClinVar aggregate classification (germline): Uncertain significance (1 of 4 stars; one submission).

Conditions:
Spastic paraplegia. Identifiers: MedGen C0037772, HP:0001258.

Allele frequency attached by ClinVar (database versions not stated): gnomAD exomes 0.00002 and 0.00007; ExAC 0.00016; gnomAD 0.00019 and 0.00021; ESP Exome Variant Server 0.00023; TOPMed 0.00024; 1000 Genomes Project 0.00100; 1000 Genomes Project 30x 0.00109.
gnomAD v4.1: 63 of 1,612,620 alleles (0.0039%); highest among the groups gnomAD compares: African/African-American, 0.071%; no homozygotes.

Submission:

Labcorp Genetics (formerly Invitae), Labcorp
Classification: Uncertain significance for Spastic paraplegia. Last evaluated: 2022-10-25. Review status: criteria provided, single submitter. Criteria: Invitae Variant Classification Sherloc (09022015). Collection method: clinical testing. Allele origin: germline.
Comment: This sequence change replaces leucine, which is neutral and non-polar, with valine, which is neutral and non-polar, at codon 651 of the AP4E1 protein (p.Leu651Val). This variant is present in population databases (rs148555464, gnomAD 0.08%). This variant has not been reported in the literature in individuals affected with AP4E1-related conditions. ClinVar contains an entry for this variant (Variation ID: 1521085). Algorithms developed to predict the effect of missense changes on protein structure and function are either unavailable or do not agree on the potential impact of this missense change (SIFT: "Deleterious"; PolyPhen-2: "Possibly Damaging"; Align-GVGD: "Class C0"). In summary, the available evidence is currently insufficient to determine the role of this variant in disease. Therefore, it has been classified as a Variant of Uncertain Significance.

NM_007347.5(AP4E1):c.1951C>G (p.Leu651Val)

Gene: AP4E1 (adaptor related protein complex 4 subunit epsilon 1; plus strand). Cytogenetic location: 15q21.2.
Variant type: single nucleotide variant.
Coding change: c.1951C>G on transcript NM_007347.5 (MANE Select); coding-DNA position 1951, C replaced by G.
Protein change: p.Leu651Val; replaces leucine 651 with valine.
Molecular consequence: missense variant.
Genome position (GRCh38, 1-based): chr15:50,968,362, C>G. VCF-style: chr15-50968362-C-G. GRCh37 (hg19) VCF-style: chr15-51260559-C-G.
Other names: c.1726C>G, p.Leu576Val (NM_001252127.2); short protein forms L576V, L651V.
Identifiers: ClinVar variation 1521085 (VCV001521085.5), dbSNP rs148555464, ClinGen allele CA7559204.
Genomic context (GRCh38, chr15:50,968,362, plus strand): 5'-GAAGGACTCAGTCAGGGTGCAGCGCCTTACAAACCTCCCCATCAACGCCAGGAGGAAAAG[C>G]TTTCTCAGGAAAAAGGTAATTTTTCATGGATTTATGATAAGCTAGAGTGTAGGGATGTAA-3'
Protein context (NP_031373.2, residues 641-661): KPPHQRQEEK[Leu651Val]SQEKVLNFEP